The following is an entry in ClinVar:

ClinVar aggregate classification (germline): Pathogenic. Review status: criteria provided, multiple submitters, no conflicts (2 of 4 stars). 2 submissions from 2 submitters: Pathogenic (2). Last evaluated 2023-06-04.

Conditions:
Hereditary nonpolyposis colorectal neoplasms. Identifiers: MedGen C0009405, MeSH D003123.

Submissions (2):

Labcorp Genetics (formerly Invitae), Labcorp
Classification: Pathogenic for Hereditary nonpolyposis colorectal neoplasms. Last evaluated: 2023-06-04. Review status: criteria provided, single submitter. Criteria: Invitae Variant Classification Sherloc (09022015). Collection method: clinical testing. Allele origin: germline.
Comment: For these reasons, this variant has been classified as Pathogenic. ClinVar contains an entry for this variant (Variation ID: 1526382). This variant has not been reported in the literature in individuals affected with PMS2-related conditions. This variant is not present in population databases (gnomAD no frequency). This sequence change creates a premature translational stop signal (p.Ile385Lysfs*13) in the PMS2 gene. It is expected to result in an absent or disrupted protein product. Loss-of-function variants in PMS2 are known to be pathogenic (PMID: 21376568, 24362816).

GeneDx
Classification: Pathogenic. Last evaluated: 2022-03-15. Review status: criteria provided, single submitter. Criteria: GeneDx Variant Classification Process June 2021. Collection method: clinical testing. Allele origin: germline. Affected: yes.
Comment: Frameshift variant predicted to result in protein truncation or nonsense mediated decay in a gene for which loss-of-function is a known mechanism of disease; Not observed at significant frequency in large population cohorts (gnomAD); Truncating variants in this gene are considered pathogenic by a well-established clinical consortium and/or database; Has not been previously published as pathogenic or benign to our knowledge

Literature cited by the submitters: PubMed 21376568 (cited by Labcorp Genetics (formerly Invitae), Labcorp); PubMed 24362816 (cited by Labcorp Genetics (formerly Invitae), Labcorp).

NM_000535.7(PMS2):c.1154del (p.Ile385fs)

Gene: PMS2 (PMS1 homolog 2, mismatch repair system component; minus strand). Cytogenetic location: 7p22.1.
Variant type: Deletion.
Coding change: c.1154del on transcript NM_000535.7 (MANE Select); coding-DNA position 1154, one base deleted (T; older notation c.1154delT).
Protein change: p.Ile385fs; shifts the reading frame from isoleucine 385.
Molecular consequence: frameshift variant. On other transcripts: non-coding transcript variant (1).
Genome position (GRCh38, 1-based): chr7:5,987,611, A deleted on the plus strand (T on the coding strand, the reverse complement: PMS2 is on the minus strand). VCF-style (leftmost placement, unchanged base first): chr7-5987610-TA-T. GRCh37 (hg19) VCF-style: chr7-6027241-TA-T.
Other names: c.749del, p.Ile250fs (NM_001322003.2, NM_001322004.2, NM_001322005.2 and 1 more transcripts); c.998del, p.Ile333fs (NM_001322006.2); c.836del, p.Ile279fs (NM_001322007.2, NM_001322008.2); c.593del, p.Ile198fs (NM_001322010.2); c.221del, p.Ile74fs (NM_001322011.2, NM_001322012.2); c.581del, p.Ile194fs (NM_001322013.2); c.1154del, p.Ile385fs (NM_001322014.2); c.845del, p.Ile282fs (NM_001322015.2); short protein forms I194fs, I198fs, I250fs, I279fs, I282fs, I333fs, I385fs, I74fs.
Identifiers: ClinVar variation 1526382 (VCV001526382.5), dbSNP rs2128737282, ClinGen allele CA2573141969.
Genomic context (GRCh38, chr7:5,987,610, plus strand): 5'-TGAAGGGGATTGATCCTGCTTTTCTACCATGGGCTTTTCCAAATCCGCTGCATGCATTTT[TA>T]TTAAGTTACCTAAGCAAACGTGGACGGAGAAGAGGGTCAGGGACTATCCTGAAATGGTGA-3'